The following is an entry in ClinVar:

NM_001009944.3(PKD1):c.12420G>A (p.Trp4140Ter)

Gene: PKD1 (polycystin 1, transient receptor potential channel interacting; minus strand). Cytogenetic location: 16p13.3.
Variant type: single nucleotide variant.
Coding change: c.12420G>A on transcript NM_001009944.3 (MANE Select); coding-DNA position 12420, G replaced by A.
Protein change: p.Trp4140Ter; replaces tryptophan 4140 with a stop codon.
Molecular consequence: nonsense.
Genome position (GRCh38, 1-based): chr16:2,090,309, C>T on the plus strand (G>A on the coding strand, the complement: PKD1 is on the minus strand). VCF-style: chr16-2090309-C-T. GRCh37 (hg19) VCF-style: chr16-2140310-C-T.
Other names: c.12420G>A (NM_001009944.2); c.12417G>A, p.Trp4139Ter (NM_000296.4); short protein forms W4139*, W4140*.
Identifiers: ClinVar variation 8209 (VCV000008209.2), dbSNP rs199476102, ClinGen allele CA119385.
Genomic context (GRCh38, chr16:2,090,309, plus strand): 5'-GGCGTGTCCCTCTCCCCCCCACTGGGCCGTACCCACCTCCTTGACCTTGCTGAGGCCCAT[C>T]CAGAGGCGCAGCCTGCGCAGGAACAACTCCACCATCTCGTAGTCCTGGGGCTCCCAGGCC-3'

ClinVar aggregate classification (germline): Likely pathogenic. Review status: criteria provided, single submitter (1 of 4 stars). 2 submissions from 2 submitters: Likely pathogenic (1). 1 of the submissions does not count toward it. Last evaluated 2024-05-10.

Conditions:
Polycystic kidney disease, adult type (PKD1). Also called: Polycystic Kidney Disease 1, Autosomal Dominant; Polycystic kidney disease 1; Polycystic kidney disease 1, severe; Polycystic Kidney, Autosomal Dominant; POLYCYSTIC KIDNEY DISEASE, ADULT, TYPE I; POLYCYSTIC KIDNEY DISEASE 1 WITH OR WITHOUT POLYCYSTIC LIVER DISEASE. Identifiers: MedGen C3149841, MONDO:0008263, OMIM 173900.

gnomAD v4.1: 1 of 1,611,246 alleles (0.000062%); highest among the groups gnomAD compares: Non-Finnish European, 0.000085%; no homozygotes.

Submissions (2):

GeneDx
Classification: Likely pathogenic. Last evaluated: 2024-05-10. Review status: criteria provided, single submitter. Criteria: GeneDx Variant Classification Process June 2021. Collection method: clinical testing. Allele origin: germline. Affected: yes.
Comment: Nonsense variant predicted to result in protein truncation, as the last 164 amino acids are lost, and other loss-of-function variants have been reported downstream in HGMD; Not observed at significant frequency in large population cohorts (gnomAD); This variant is associated with the following publications: (PMID: 25266109, 35177841, 10987650, 22508176)

OMIM
Classification: Pathogenic for POLYCYSTIC KIDNEY DISEASE 1, SEVERE. Last evaluated: 1999-09-01. Review status: no assertion criteria provided. Collection method: literature only. Allele origin: germline. Not counted in ClinVar's aggregate classification.

Literature cited by the submitters: PubMed 10987650 (cited by OMIM).